The following is an entry in ClinVar:

NM_000361.3(THBD):c.1327G>A (p.Asp443Asn)

Gene: THBD (thrombomodulin; minus strand). Cytogenetic location: 20p11.21.
Variant type: single nucleotide variant.
Coding change: c.1327G>A on transcript NM_000361.3 (MANE Select); coding-DNA position 1327, G replaced by A.
Protein change: p.Asp443Asn; replaces aspartic acid 443 with asparagine.
Molecular consequence: missense variant.
Genome position (GRCh38, 1-based): chr20:23,048,178, C>T on the plus strand (G>A on the coding strand, the complement: THBD is on the minus strand). VCF-style: chr20-23048178-C-T. GRCh37 (hg19) VCF-style: chr20-23028815-C-T.
Other names: short protein forms D443N.
Identifiers: ClinVar variation 4740370 (VCV004740370.1).

ClinVar aggregate classification (germline): Uncertain significance (1 of 4 stars; one submission).

Submission:

Labcorp Genetics (formerly Invitae), Labcorp
Classification: Uncertain significance. Last evaluated: 2025-09-08. Review status: criteria provided, single submitter. Criteria: Invitae Variant Classification Sherloc (09022015). Collection method: clinical testing. Allele origin: germline.
Comment: This sequence change replaces aspartic acid, which is acidic and polar, with asparagine, which is neutral and polar, at codon 443 of the THBD protein (p.Asp443Asn). This variant is not present in population databases (gnomAD no frequency). This variant has not been reported in the literature in individuals affected with THBD-related conditions. Invitae Evidence Modeling of protein sequence and biophysical properties (such as structural, functional, and spatial information, amino acid conservation, physicochemical variation, residue mobility, and thermodynamic stability) indicates that this missense variant is not expected to disrupt THBD protein function with a negative predictive value of 80%. In summary, the available evidence is currently insufficient to determine the role of this variant in disease. Therefore, it has been classified as a Variant of Uncertain Significance.